The following is an entry in ClinVar:

NM_003073.5(SMARCB1):c.82A>T (p.Ile28Phe)

Gene: SMARCB1 (SWI/SNF related BAF chromatin remodeling complex subunit B1; plus strand). Cytogenetic location: 22q11.23.
Variant type: single nucleotide variant.
Coding change: c.82A>T on transcript NM_003073.5 (MANE Select); coding-DNA position 82, A replaced by T.
Protein change: p.Ile28Phe; replaces isoleucine 28 with phenylalanine.
Molecular consequence: missense variant.
Genome position (GRCh38, 1-based): chr22:23,787,251, A>T. VCF-style: chr22-23787251-A-T. GRCh37 (hg19) VCF-style: chr22-24129438-A-T.
Other names: c.82A>T, p.Ile28Phe (NM_001007468.3, NM_001317946.2, NM_001362877.2); short protein forms I28F.
Identifiers: ClinVar variation 3223089 (VCV003223089.1), dbSNP rs2517652837, ClinGen allele CA410930980.

ClinVar aggregate classification (germline): Uncertain significance (1 of 4 stars; one submission).

Conditions:
Hereditary cancer-predisposing syndrome. Also called: Tumor predisposition; Hereditary neoplastic syndrome; Hereditary Cancer Syndrome; Neoplastic Syndromes, Hereditary. Identifiers: Orphanet 140162, MedGen C0027672, MeSH D009386, MONDO:0015356.

Submission:

Ambry Genetics
Classification: Uncertain significance for Hereditary cancer-predisposing syndrome. Last evaluated: 2023-12-13. Review status: criteria provided, single submitter. Criteria: Ambry Variant Classification Scheme 2023. Collection method: clinical testing. Allele origin: germline.
Comment: The p.I28F variant (also known as c.82A>T), located in coding exon 1 of the SMARCB1 gene, results from an A to T substitution at nucleotide position 82. The isoleucine at codon 28 is replaced by phenylalanine, an amino acid with highly similar properties. This amino acid position is highly conserved in available vertebrate species. In addition, the in silico prediction for this alteration is inconclusive. Missense and in-frame variants in SMARCB1 are known to cause neurodevelopmental disorders; however, such associations with rhabdoid tumor predisposition syndrome are exceedingly rare (Kosho T et al. Am J Med Genet C Semin Med Genet. 2014 Sep;166C(3):262-75; Eaton KW et al. Pediatr Blood Cancer. 2011 Jan;56(1):7-15). Since supporting evidence is limited at this time, the clinical significance of this alteration remains unclear.